The following is an entry in ClinVar:

NM_004068.4(AP2M1):c.74+6T>C

Genes: AP2M1 (adaptor related protein complex 2 subunit mu 1; plus strand), LOC123453202 (Sharpr-MPRA regulatory region 464; plus strand). Cytogenetic location: 3q27.1.
Variant type: single nucleotide variant.
Coding change: c.74+6T>C on transcript NM_004068.4 (MANE Select); 6 bases into the intron after coding-DNA position 74, T replaced by C.
Molecular consequence: intron variant.
Genome position (GRCh38, 1-based): chr3:184,177,073, T>C. VCF-style: chr3-184177073-T-C. GRCh37 (hg19) VCF-style: chr3-183894861-T-C.
Other names: c.74+6T>C (NM_001311198.2, NM_001025205.2).
Identifiers: ClinVar variation 1397790 (VCV001397790.6), dbSNP rs2109028371, ClinGen allele CA2573136756.

ClinVar aggregate classification (germline): Uncertain significance (1 of 4 stars; one submission).

Allele frequency attached by ClinVar (database versions not stated): gnomAD exomes below 0.00001.
gnomAD v4.1: 1 of 1,612,470 alleles (0.000062%); highest among the groups gnomAD compares: Non-Finnish European, 0.000085%; no homozygotes.

Submission:

Labcorp Genetics (formerly Invitae), Labcorp
Classification: Uncertain significance. Last evaluated: 2022-07-05. Review status: criteria provided, single submitter. Criteria: Invitae Variant Classification Sherloc (09022015). Collection method: clinical testing. Allele origin: germline.
Comment: In summary, the available evidence is currently insufficient to determine the role of this variant in disease. Therefore, it has been classified as a Variant of Uncertain Significance. Variants that disrupt the consensus splice site are a relatively common cause of aberrant splicing (PMID: 17576681, 9536098). Algorithms developed to predict the effect of sequence changes on RNA splicing suggest that this variant is not likely to affect RNA splicing. ClinVar contains an entry for this variant (Variation ID: 1397790). This variant has not been reported in the literature in individuals affected with AP2M1-related conditions. This variant is not present in population databases (gnomAD no frequency). This sequence change falls in intron 2 of the AP2M1 gene. It does not directly change the encoded amino acid sequence of the AP2M1 protein. It affects a nucleotide within the consensus splice site.

Literature cited by the submitters: PubMed 17576681; PubMed 9536098.